The following is an entry in ClinVar:

NM_078480.3(PUF60):c.1292C>T (p.Pro431Leu)

Gene: PUF60 (poly(U) binding splicing factor 60; minus strand). Cytogenetic location: 8q24.3.
Variant type: single nucleotide variant.
Coding change: c.1292C>T on transcript NM_078480.3 (MANE Select); coding-DNA position 1292, C replaced by T.
Protein change: p.Pro431Leu; replaces proline 431 with leucine.
Molecular consequence: missense variant.
Genome position (GRCh38, 1-based): chr8:143,816,998, G>A on the plus strand (C>T on the coding strand, the complement: PUF60 is on the minus strand). VCF-style: chr8-143816998-G-A. GRCh37 (hg19) VCF-style: chr8-144899168-G-A.
Other names: c.1163C>T, p.Pro388Leu (NM_001136033.3); c.1238C>T, p.Pro413Leu (NM_001271096.2); c.1154C>T, p.Pro385Leu (NM_001271097.2); c.1289C>T, p.Pro430Leu (NM_001271098.2); c.1205C>T, p.Pro402Leu (NM_001271099.2); c.1112C>T, p.Pro371Leu (NM_001271100.2); c.1403C>T, p.Pro468Leu (NM_001362895.2, NM_001362896.2); c.1352C>T, p.Pro451Leu (NM_001362897.2); and 1 more; short protein forms P371L, P413L, P414L, P388L, P402L, P430L, P431L, P385L.
Identifiers: ClinVar variation 1031057 (VCV001031057.1), dbSNP rs1816390931, ClinGen allele CA372486973.

ClinVar aggregate classification (germline): Uncertain significance (1 of 4 stars; one submission).

Conditions:
8q24.3 microdeletion syndrome. Also called: CHROMOSOME 8q24.3 DELETION SYNDROME; Verheij syndrome. Identifiers: Orphanet 508488, MedGen C3810023, MONDO:0014263, OMIM 615583.

Submission:

Baylor Genetics
Classification: Uncertain significance for 8q24.3 microdeletion syndrome. Last evaluated: 2019-07-03. Review status: criteria provided, single submitter. Criteria: ACMG Guidelines, 2015. Collection method: clinical testing. Allele origin: unknown. Affected: yes.
Comment: This variant was determined to be of uncertain significance according to ACMG Guidelines, 2015 [PMID:25741868].